The following is an entry in ClinVar:

ClinVar aggregate classification (germline): Conflicting classifications of pathogenicity. Review status: criteria provided, conflicting classifications (1 of 4 stars). 10 submissions from 10 submitters: Uncertain significance (2); Benign (1); Likely benign (6). 1 of the submissions does not count toward it. Last evaluated 2026-01-18.

Conditions:
FLCN-related disorder. Also called: FLCN-related condition.
Birt-Hogg-Dube syndrome 1 (BHD1). Also called: FIBROFOLLICULOMAS WITH TRICHODISCOMAS AND ACROCHORDONS. Identifiers: Orphanet 122, MedGen CN375946, MONDO:0800445, OMIM 135150.
Hereditary cancer-predisposing syndrome. Also called: Tumor predisposition; Hereditary neoplastic syndrome; Hereditary Cancer Syndrome; Neoplastic Syndromes, Hereditary. Identifiers: Orphanet 140162, MedGen C0027672, MeSH D009386, MONDO:0015356.
Birt-Hogg-Dube syndrome. Also called: Birt Hogg Dubé syndrome. Identifiers: Orphanet 122, MedGen C0346010, MONDO:0800444.

Allele frequency attached by ClinVar (database versions not stated): ExAC 0.00003; gnomAD exomes 0.00004; TOPMed 0.00004; gnomAD 0.00005.
gnomAD v4.1: 53 of 1,614,188 alleles (0.0033%); highest among the groups gnomAD compares: Middle Eastern, 0.12%; no homozygotes.

Submissions (10):

Labcorp Genetics (formerly Invitae), Labcorp
Classification: Likely benign for Birt-Hogg-Dube syndrome. Last evaluated: 2026-01-18. Review status: criteria provided, single submitter. Criteria: Invitae Variant Classification Sherloc (09022015). Collection method: clinical testing. Allele origin: germline.

PreventionGenetics, part of Exact Sciences
Classification: Likely benign for FLCN-related condition. Last evaluated: 2025-11-24. Review status: criteria provided, single submitter. Criteria: ACMG Guidelines, 2015. Collection method: clinical testing. Allele origin: germline.
Comment: This variant is classified as likely benign based on ACMG/AMP sequence variant interpretation guidelines (Richards et al. 2015 PMID: 25741868, with internal and published modifications).

CeGaT Center for Human Genetics Tuebingen
Classification: Uncertain significance. Last evaluated: 2025-09-01. Review status: criteria provided, single submitter. Criteria: CeGaT Center For Human Genetics Tuebingen Variant Classification Criteria Version 2. Collection method: clinical testing. Allele origin: germline. Affected: yes. Observed: 1 variant allele.
Comment: FLCN: PM2

Myriad Genetics, Inc.
Classification: Likely benign for Birt-Hogg-Dube syndrome 1. Last evaluated: 2024-10-24. Review status: criteria provided, single submitter. Criteria: Myriad Autosomal Dominant, Autosomal Recessive and X-Linked Classification Criteria (2023). Collection method: clinical testing. Allele origin: unknown.
Comment: This variant is considered likely benign. This variant has been observed at a population frequency that is significantly greater than expected given the associated disease prevalence and penetrance.

Quest Diagnostics Nichols Institute San Juan Capistrano
Classification: Likely benign. Last evaluated: 2024-03-05. Review status: criteria provided, single submitter. Criteria: Quest Diagnostics criteria. Collection method: clinical testing. Allele origin: unknown.

Ambry Genetics
Classification: Benign for Hereditary cancer-predisposing syndrome. Last evaluated: 2023-04-13. Review status: criteria provided, single submitter. Criteria: Ambry Variant Classification Scheme 2023. Collection method: clinical testing. Allele origin: germline.

Women's Health and Genetics/Laboratory Corporation of America, LabCorp
Classification: Likely benign. Last evaluated: 2023-02-02. Review status: criteria provided, single submitter. Criteria: LabCorp Variant Classification Summary - May 2015. Collection method: clinical testing. Allele origin: germline.
Comment: Variant summary: FLCN c.1387T>C (p.Tyr463His) results in a conservative amino acid change located in the Folliculin, DENN domain (IPR032035) of the encoded protein sequence. Four of five in-silico tools predict a benign effect of the variant on protein function. The variant allele was found at a frequency of 4.4e-05 in 251424 control chromosomes (gnomAD). The observed variant frequency is approximately 35 fold of the estimated maximal expected allele frequency for a pathogenic variant in FLCN causing Birt-Hogg-Dube Syndrome phenotype (1.3e-06), strongly suggesting that the variant is benign. c.1387T>C has been reported in the literature in an individual affected with breast cancer (example: Jalkh_2017). One study have provided experimental evidence that this variant does not alter mRNA splicing (example: Liu_2019). Four clinical diagnostic laboratories have submitted clinical-significance assessments for this variant to ClinVar after 2014 and classified the variant as VUS and likely benign. Based on the evidence outlined above, the variant was classified as likely benign.

Sema4
Classification: Uncertain significance for Hereditary cancer-predisposing syndrome. Last evaluated: 2021-08-17. Review status: criteria provided, single submitter. Criteria: Sema4 Curation Guidelines. Collection method: curation. Allele origin: germline.
Comment: The FLCN c.1387T>C (p.Y463H) variant has been reported in heterozygosity in at least one individual with breast cancer and one individual with acute lymphocytic leukemia (PMID: 28202063, 26580448). It was observed in 7/35438 chromosomes of the Latino subpopulation in the Genome Aggregation Database (PMID: 32461654). The variant has been reported in ClinVar (Variation ID 409380). Functional studies have not been performed, and in silico predictions of the variant's effect on protein function are inconclusive. The evidence is insufficient to meet ACMG/AMP criteria for classifying the variant as benign or pathogenic. Thus, the clinical significance of this variant is currently uncertain.

GeneDx
Classification: Likely benign. Last evaluated: 2019-07-05. Review status: criteria provided, single submitter. Criteria: GeneDx Variant Classification Process June 2021. Collection method: clinical testing. Allele origin: germline. Affected: yes.
Comment: In silico analysis, which includes protein predictors and evolutionary conservation, supports that this variant does not alter protein structure/function; This variant is associated with the following publications: (PMID: 28202063)

Department of Pathology and Laboratory Medicine, Sinai Health System
Classification: Uncertain significance. Review status: no assertion criteria provided. Collection method: clinical testing. Allele origin: unknown. Affected: yes. Study: The Canadian Open Genetics Repository (COGR). Not counted in ClinVar's aggregate classification.
Comment: The FLCN p.Tyr463His variant was not identified in the literature nor was it identified in Cosmic or LOVD 3.0. The variant was identified in dbSNP (ID: rs770077517) and ClinVar (classified as a VUS by Invitae and Ambry Genetics). The variant was also identified in control databases in 13 of 282816 chromosomes at a frequency of 0.00004597 (Genome Aggregation Database March 6, 2019, v2.1.1). The variant was observed in the following populations: Latino in 7 of 35438 chromosomes (freq: 0.000198) and European (non-Finnish) in 6 of 129160 chromosomes (freq: 0.000046), but was not observed in the African, Ashkenazi Jewish, East Asian, European (Finnish), Other or South Asian populations. The p.Tyr463 residue is conserved in mammals but not in more distantly related organisms however four out of five computational analyses (PolyPhen-2, SIFT, AlignGVGD, BLOSUM, MutationTaster) do not suggest a high likelihood of impact to the protein; this information is not predictive enough to rule out pathogenicity. The variant occurs outside of the splicing consensus sequence and four of four in silico or computational prediction software programs (SpliceSiteFinder, MaxEntScan, NNSPLICE, GeneSplicer) predict a greater than 10% difference in splicing. However, this information is not predictive enough to assume pathogenicity. In summary, based on the above information the clinical significance of this variant cannot be determined with certainty at this time. This variant is classified as a variant of uncertain significance.

Literature cited by the submitters: PubMed 28202063 (cited by 4 submitters); PubMed 26580448 (cited by 4 submitters); PubMed 31615547 (cited by Ambry Genetics and Women's Health and Genetics/Laboratory Corporation of America, LabCorp).

NM_144997.7(FLCN):c.1387T>C (p.Tyr463His)

Gene: FLCN (folliculin; minus strand). Cytogenetic location: 17p11.2.
Variant type: single nucleotide variant.
Coding change: c.1387T>C on transcript NM_144997.7 (MANE Select); coding-DNA position 1387, T replaced by C.
Protein change: p.Tyr463His; replaces tyrosine 463 with histidine.
Molecular consequence: missense variant.
Genome position (GRCh38, 1-based): chr17:17,215,230, A>G on the plus strand (T>C on the coding strand, the complement: FLCN is on the minus strand). VCF-style: chr17-17215230-A-G. GRCh37 (hg19) VCF-style: chr17-17118544-A-G.
Other names: c.1387T>C (LRG_325t1, NM_144997.6); c.1441T>C, p.Tyr481His (NM_001353229.2); c.1387T>C, p.Tyr463His (NM_001353230.2, NM_001353231.2); short protein forms Y463H, Y481H.
Identifiers: ClinVar variation 409380 (VCV000409380.30), dbSNP rs770077517, ClinGen allele CA8416012.
Genomic context (GRCh38, chr17:17,215,230, plus strand): 5'-CCTGGGGGCACCCACCTCGGTCTGCAGCTACAGGGCTCCCACTGGTCACCACAAACTCGT[A>G]CTTGCTGAGAGACTGGTCATCCTCACACCCCACAGGGTGGAGGGTGGAACGTGCGGCTGC-3'
Protein context (NP_659434.2, residues 453-473): GCEDDQSLSK[Tyr463His]EFVVTSGSPV